The following is an entry in ClinVar:

ClinVar aggregate classification (germline): Uncertain significance (1 of 4 stars; one submission).

Allele frequency attached by ClinVar (database versions not stated): gnomAD 0.00001; TOPMed 0.00001.
gnomAD v4.1: 2 of 1,464,240 alleles (0.00014%); highest among the groups gnomAD compares: African/African-American, 0.0015%; no homozygotes.

Submission:

Labcorp Genetics (formerly Invitae), Labcorp
Classification: Uncertain significance. Last evaluated: 2023-12-21. Review status: criteria provided, single submitter. Criteria: Invitae Variant Classification Sherloc (09022015). Collection method: clinical testing. Allele origin: germline.
Comment: This sequence change replaces arginine, which is basic and polar, with serine, which is neutral and polar, at codon 122 of the GRIN2D protein (p.Arg122Ser). This variant is not present in population databases (gnomAD no frequency). This variant has not been reported in the literature in individuals affected with GRIN2D-related conditions. Advanced modeling of protein sequence and biophysical properties (such as structural, functional, and spatial information, amino acid conservation, physicochemical variation, residue mobility, and thermodynamic stability) performed at Invitae indicates that this missense variant is not expected to disrupt GRIN2D protein function with a negative predictive value of 80%. In summary, the available evidence is currently insufficient to determine the role of this variant in disease. Therefore, it has been classified as a Variant of Uncertain Significance.

NM_000836.4(GRIN2D):c.364C>A (p.Arg122Ser)

Genes: GRIN2D (glutamate ionotropic receptor NMDA type subunit 2D; plus strand), LOC130064856 (ATAC-STARR-seq lymphoblastoid silent region 10880; plus strand). Cytogenetic location: 19q13.33.
Variant type: single nucleotide variant.
Coding change: c.364C>A on transcript NM_000836.4 (MANE Select); coding-DNA position 364, C replaced by A.
Protein change: p.Arg122Ser; replaces arginine 122 with serine.
Molecular consequence: missense variant.
Genome position (GRCh38, 1-based): chr19:48,398,756, C>A. VCF-style: chr19-48398756-C-A. GRCh37 (hg19) VCF-style: chr19-48902013-C-A.
Other names: short protein forms R122S.
Identifiers: ClinVar variation 2858682 (VCV002858682.3), dbSNP rs1275566794, ClinGen allele CA406689071.